The following is an entry in ClinVar:

ClinVar aggregate classification (germline): Pathogenic (1 of 4 stars; one submission).

Conditions:
Diamond-Blackfan anemia. Also called: Blackfan Diamond syndrome; Aregenerative anemia chronic congenital; Red cell aplasia, pure hereditary; Congenital hypoplastic anemia; Aase syndrome. Identifiers: Orphanet 124, MedGen C1260899, MeSH D029503, MONDO:0015253, HP:0004810.

Submission:

Labcorp Genetics (formerly Invitae), Labcorp
Classification: Pathogenic for Diamond-Blackfan anemia. Last evaluated: 2018-12-15. Review status: criteria provided, single submitter. Criteria: Invitae Variant Classification Sherloc (09022015). Collection method: clinical testing. Allele origin: germline.
Comment: This variant is a gross deletion of the genomic region encompassing exons 4-6 of the RPS19 gene. The 5' boundary is likely confined to intron 3. The 3' end of this event is unknown as it extends through the termination codon beyond the assayed region for this gene and may encompass additional genes. While this deletion is not anticipated to result in nonsense mediated decay, it is expected to create a truncated protein product or disrupt mRNA translation. This variant has not been reported in the literature in individuals with RPS19-related conditions. This variant disrupts the C-terminus of the RPS19 protein. Other variant(s) that disrupt this region (p.Gln128* andÂ¬â€ p.Asp130Serfs*23) have been determined to be pathogenic (PMID:Â¬â€ 12750732,Â¬â€ 15075082, 10590074, 11112378, 15059149). This suggests that variants that disrupt this region of the protein are likely to be causative of disease. For these reasons, this variant has been classified as Pathogenic.

NC_000019.9:g.(?_42373091)_(42375455_?)del

Gene: RPS19 (ribosomal protein S19; plus strand). Cytogenetic location: 19q13.2.
Variant type: Deletion.
Identifiers: ClinVar variation 650720 (VCV000650720.1).